The following is an entry in ClinVar:

NM_005733.3(KIF20A):c.90T>G (p.Asp30Glu)

Gene: KIF20A (kinesin family member 20A; plus strand). Cytogenetic location: 5q31.2.
Variant type: single nucleotide variant.
Coding change: c.90T>G on transcript NM_005733.3 (MANE Select); coding-DNA position 90, T replaced by G.
Protein change: p.Asp30Glu; replaces aspartic acid 30 with glutamic acid.
Molecular consequence: missense variant.
Genome position (GRCh38, 1-based): chr5:138,179,770, T>G. VCF-style: chr5-138179770-T-G. GRCh37 (hg19) VCF-style: chr5-137515459-T-G.
Other names: short protein forms D30E.
Identifiers: ClinVar variation 1937950 (VCV001937950.5), dbSNP rs946336624, ClinGen allele CA128180792.

ClinVar aggregate classification (germline): Uncertain significance (1 of 4 stars; one submission).

Allele frequency attached by ClinVar (database versions not stated): gnomAD 0.00001; gnomAD exomes 0.00001; TOPMed 0.00001.

Submission:

Labcorp Genetics (formerly Invitae), Labcorp
Classification: Uncertain significance. Last evaluated: 2022-02-25. Review status: criteria provided, single submitter. Criteria: Invitae Variant Classification Sherloc (09022015). Collection method: clinical testing. Allele origin: germline.
Comment: This sequence change replaces aspartic acid, which is acidic and polar, with glutamic acid, which is acidic and polar, at codon 30 of the KIF20A protein (p.Asp30Glu). This variant is not present in population databases (gnomAD no frequency). This variant has not been reported in the literature in individuals affected with KIF20A-related conditions. Algorithms developed to predict the effect of missense changes on protein structure and function are either unavailable or do not agree on the potential impact of this missense change (SIFT: "Deleterious"; PolyPhen-2: "Benign"; Align-GVGD: "Class C0"). In summary, the available evidence is currently insufficient to determine the role of this variant in disease. Therefore, it has been classified as a Variant of Uncertain Significance.